The following is an entry in ClinVar:

ClinVar aggregate classification (germline): Uncertain significance (1 of 4 stars; one submission).

Conditions:
PCSK1-related disorder. Also called: PCSK1-related condition.

gnomAD v4.1: 1 of 1,610,772 alleles (0.000062%); highest among the groups gnomAD compares: Admixed American, 0.0017%; no homozygotes.

Submission:

PreventionGenetics, part of Exact Sciences
Classification: Uncertain significance for PCSK1-related condition. Last evaluated: 2026-03-24. Review status: criteria provided, single submitter. Criteria: ACMG Guidelines, 2015. Collection method: clinical testing. Allele origin: germline.
Comment: The PCSK1 c.1589-9G>C variant is predicted to interfere with splicing. To our knowledge, this variant has not been reported in the literature. This variant is reported in 0.0029% of alleles in individuals of Latino descent in gnomAD. At this time, the clinical significance of this variant is uncertain due to the absence of conclusive functional and genetic evidence.

NM_000439.5(PCSK1):c.1589-9G>C

Genes: CAST (calpastatin; plus strand), PCSK1 (proprotein convertase subtilisin/kexin type 1; minus strand), LOC101929710 (uncharacterized LOC101929710; plus strand). Cytogenetic location: 5q15.
Variant type: single nucleotide variant.
Coding change: c.1589-9G>C on transcript NM_000439.5 (MANE Select); 9 bases into the intron before coding-DNA position 1589, G replaced by C.
Molecular consequence: intron variant.
Genome position (GRCh38, 1-based): chr5:96,397,478, C>G on the plus strand (G>C on the coding strand, the complement: PCSK1 is on the minus strand). VCF-style: chr5-96397478-C-G. GRCh37 (hg19) VCF-style: chr5-95733182-C-G.
Other names: c.-175+17826C>G (NM_001423255.1, NM_001423250.1, NM_001423251.1 and 6 more transcripts); c.-40+17826C>G (NM_001423258.1); c.1448-9G>C (NM_001177875.2); c.-103+17826C>G (NM_001423253.1).
Identifiers: ClinVar variation 4996386 (VCV004996386.1).